The following is an entry in ClinVar:

ClinVar aggregate classification (germline): Likely benign. Review status: criteria provided, single submitter (1 of 4 stars). 2 submissions from 2 submitters: Likely benign (1). 1 of the submissions does not count toward it. Last evaluated 2025-01-21.

Conditions:
PIGU-related disorder. Also called: PIGU-related condition.

Allele frequency attached by ClinVar (database versions not stated): ESP Exome Variant Server 0.00008; gnomAD 0.00015; TOPMed 0.00020; ExAC 0.00030; 1000 Genomes Project 30x 0.00047; 1000 Genomes Project 0.00060.
gnomAD v4.1: 157 of 1,599,234 alleles (0.0098%); highest among the groups gnomAD compares: East Asian, 0.29%; no homozygotes.

Submissions (2):

Labcorp Genetics (formerly Invitae), Labcorp
Classification: Likely benign. Last evaluated: 2025-01-21. Review status: criteria provided, single submitter. Criteria: Invitae Variant Classification Sherloc (09022015). Collection method: clinical testing. Allele origin: germline.

PreventionGenetics, part of Exact Sciences
Classification: Likely benign for PIGU-related condition. Last evaluated: 2022-06-28. Review status: no assertion criteria provided. Collection method: clinical testing. Allele origin: germline. Not counted in ClinVar's aggregate classification.
Comment: This variant is classified as likely benign based on ACMG/AMP sequence variant interpretation guidelines (Richards et al. 2015 PMID: 25741868, with internal and published modifications).

NM_080476.5(PIGU):c.353A>G (p.Gln118Arg)

Gene: PIGU (phosphatidylinositol glycan anchor biosynthesis class U; minus strand). Cytogenetic location: 20q11.22.
Variant type: single nucleotide variant.
Coding change: c.353A>G on transcript NM_080476.5 (MANE Select); coding-DNA position 353, A replaced by G.
Protein change: p.Gln118Arg; replaces glutamine 118 with arginine.
Molecular consequence: missense variant.
Genome position (GRCh38, 1-based): chr20:34,637,951, T>C on the plus strand (A>G on the coding strand, the complement: PIGU is on the minus strand). VCF-style: chr20-34637951-T-C. GRCh37 (hg19) VCF-style: chr20-33225755-T-C.
Other names: c.353A>G (NM_080476.4); short protein forms Q118R.
Identifiers: ClinVar variation 2713960 (VCV002713960.5), dbSNP rs189959388, ClinGen allele CA9822694.